The following is an entry in ClinVar:

ClinVar aggregate classification (germline): Likely benign. Review status: criteria provided, multiple submitters, no conflicts (2 of 4 stars). 5 submissions from 5 submitters: Likely benign (5). Last evaluated 2025-09-09.

Conditions:
Cardiovascular phenotype. Identifiers: MedGen CN230736.

gnomAD v4.1: 37 of 1,613,154 alleles (0.0023%); highest among the groups gnomAD compares: Middle Eastern, 0.017%; no homozygotes.

Submissions (5):

Labcorp Genetics (formerly Invitae), Labcorp
Classification: Likely benign. Last evaluated: 2025-09-09. Review status: criteria provided, single submitter. Criteria: Invitae Variant Classification Sherloc (09022015). Collection method: clinical testing. Allele origin: germline.

Mayo Clinic Laboratories, Mayo Clinic
Classification: Likely benign. Last evaluated: 2025-08-11. Review status: criteria provided, single submitter. Criteria: ACMG Guidelines, 2015. Collection method: clinical testing. Allele origin: germline. Observed: 1 variant allele.
Comment: BP4, BP7

Ambry Genetics
Classification: Likely benign for Cardiovascular phenotype. Last evaluated: 2025-01-15. Review status: criteria provided, single submitter. Criteria: Ambry Variant Classification Scheme 2023. Collection method: clinical testing. Allele origin: germline.

Blueprint Genetics
Classification: Likely benign. Last evaluated: 2024-09-04. Review status: criteria provided, single submitter. Criteria: ACMG Guidelines, 2015. Collection method: clinical testing. Allele origin: germline.

CeGaT Center for Human Genetics Tuebingen
Classification: Likely benign. Last evaluated: 2019-06-01. Review status: criteria provided, single submitter. Criteria: CeGaT Center For Human Genetics Tuebingen Variant Classification Criteria Version 2. Collection method: clinical testing. Allele origin: germline. Affected: yes. Observed: 1 variant allele.

Literature cited by the submitters: PubMed 17372331 (cited by Mayo Clinic Laboratories, Mayo Clinic); PubMed 19606474 (cited by Mayo Clinic Laboratories, Mayo Clinic); PubMed 20167577 (cited by Mayo Clinic Laboratories, Mayo Clinic); PubMed 29133174 (cited by Mayo Clinic Laboratories, Mayo Clinic); PubMed 30333156 (cited by Mayo Clinic Laboratories, Mayo Clinic).

NM_005502.4(ABCA1):c.474G>C (p.Leu158=)

Gene: ABCA1 (ATP binding cassette subfamily A member 1; minus strand). Cytogenetic location: 9q31.1.
Variant type: single nucleotide variant.
Coding change: c.474G>C on transcript NM_005502.4 (MANE Select); coding-DNA position 474, G replaced by C.
Protein change: p.Leu158=; no amino-acid change (leucine 158 retained).
Molecular consequence: synonymous variant.
Genome position (GRCh38, 1-based): chr9:104,861,748, C>G on the plus strand (G>C on the coding strand, the complement: ABCA1 is on the minus strand). VCF-style: chr9-104861748-C-G. GRCh37 (hg19) VCF-style: chr9-107624029-C-G.
Other names: p.Leu158=; c.474G>C (NM_005502.3).
Identifiers: ClinVar variation 810403 (VCV000810403.52), dbSNP rs2230805, ClinGen allele CA5169381.